The following is an entry in ClinVar:

ClinVar aggregate classification (germline): Benign/Likely benign. Review status: criteria provided, multiple submitters, no conflicts (2 of 4 stars). 5 submissions from 5 submitters: Benign (1); Likely benign (3). 1 of the submissions does not count toward it. Last evaluated 2025-11-17.

Conditions:
PALB2-related disorder. Also called: PALB2-related condition; PALB2-related disorders.
Hereditary cancer-predisposing syndrome. Also called: Tumor predisposition; Hereditary Cancer Syndrome; Hereditary neoplastic syndrome; Neoplastic Syndromes, Hereditary. Identifiers: Orphanet 140162, MedGen C0027672, MeSH D009386, MONDO:0015356.
Familial cancer of breast. Also called: BREAST CANCER, FAMILIAL; Hereditary breast cancer; hereditary breast carcinoma. Identifiers: Orphanet 227535, MedGen C0346153, MONDO:0016419, OMIM 114480. Disease mechanism: loss of function.

Allele frequency attached by ClinVar (database versions not stated): gnomAD exomes below 0.00001 and 0.00002; gnomAD 0.00001.
gnomAD v4.1: 30 of 1,614,002 alleles (0.0019%); highest among the groups gnomAD compares: Non-Finnish European, 0.0025%; no homozygotes.

Submissions (5):

Labcorp Genetics (formerly Invitae), Labcorp
Classification: Likely benign for Familial cancer of breast. Last evaluated: 2025-11-17. Review status: criteria provided, single submitter. Criteria: Invitae Variant Classification Sherloc (09022015). Collection method: clinical testing. Allele origin: germline.

Myriad Genetics, Inc.
Classification: Benign for Familial cancer of breast. Last evaluated: 2025-01-22. Review status: criteria provided, single submitter. Criteria: Myriad Autosomal Dominant, Autosomal Recessive and X-Linked Classification Criteria (2023). Collection method: clinical testing. Allele origin: unknown.
Comment: This variant is considered benign. This variant is a silent/synonymous amino acid change and it is not expected to impact splicing.

Color Diagnostics, LLC DBA Color Health
Classification: Likely benign for Hereditary cancer-predisposing syndrome. Last evaluated: 2017-01-13. Review status: criteria provided, single submitter. Criteria: ACMG Guidelines, 2015. Collection method: clinical testing. Allele origin: germline.

Ambry Genetics
Classification: Likely benign for Hereditary cancer-predisposing syndrome. Last evaluated: 2015-06-20. Review status: criteria provided, single submitter. Criteria: Ambry Variant Classification Scheme 2023. Collection method: clinical testing. Allele origin: germline.

PreventionGenetics, part of Exact Sciences
Classification: Likely benign for PALB2-related condition. Last evaluated: 2022-12-21. Review status: no assertion criteria provided. Collection method: clinical testing. Allele origin: germline. Not counted in ClinVar's aggregate classification.
Comment: This variant is classified as likely benign based on ACMG/AMP sequence variant interpretation guidelines (Richards et al. 2015 PMID: 25741868, with internal and published modifications).

NM_024675.4(PALB2):c.3525A>G (p.Gln1175=)

Gene: PALB2 (partner and localizer of BRCA2; minus strand). Cytogenetic location: 16p12.2.
Variant type: single nucleotide variant.
Coding change: c.3525A>G on transcript NM_024675.4 (MANE Select); coding-DNA position 3525, A replaced by G.
Protein change: p.Gln1175=; no amino-acid change (glutamine 1175 retained).
Molecular consequence: synonymous variant.
Genome position (GRCh38, 1-based): chr16:23,603,495, T>C on the plus strand (A>G on the coding strand, the complement: PALB2 is on the minus strand). VCF-style: chr16-23603495-T-C. GRCh37 (hg19) VCF-style: chr16-23614816-T-C.
Identifiers: ClinVar variation 183868 (VCV000183868.21), dbSNP rs763513849, ClinGen allele CA186817.